The following is an entry in ClinVar:

GRCh37/hg19 22q11.21(chr22:20030799-20068380)x1

Genes: DGCR8 (DGCR8 microprocessor complex subunit; plus strand), TANGO2 (transport and golgi organization 2 homolog; plus strand). Cytogenetic location: 22q11.21.
Variant type: copy number loss.
Change: copy number 1 (one copy instead of two) of chr22:20,030,799-20,068,380 (37.6 kb, GRCh37 coordinates, 1-based), cytogenetic band 22q11.21.
Identifiers: ClinVar variation 694455 (VCV000694455.3).

ClinVar aggregate classification (germline): Uncertain significance (1 of 4 stars; one submission).

Conditions:
Autism (AUTS). Also called: Autistic disorder; Autistic disorder of childhood onset. Identifiers: MedGen C0004352, MeSH D001321, MONDO:0005260, OMIM 209850, HP:0000717.

Submission:

Molecular Pathology Laboratory, Cleveland Clinic
Classification: Uncertain significance for Autism. Last evaluated: 2018-08-01. Review status: criteria provided, single submitter. Criteria: ACMG CNV Guidelines, 2011. Collection method: clinical testing. Allele origin: maternal. Observed: 3 variant alleles. Clinical features observed: Speech delay, Obstructive sleep apnea, Eustacian tube dysfunction, Hearing loss, Macrocephaly, Dysmorphic facial features.

Literature cited by the submitters: PubMed 28507561.